The following is an entry in ClinVar:

NM_006015.6(ARID1A):c.3188G>T (p.Gly1063Val)

Gene: ARID1A (AT-rich interaction domain 1A; plus strand). Cytogenetic location: 1p36.11.
Variant type: single nucleotide variant.
Coding change: c.3188G>T on transcript NM_006015.6 (MANE Select); coding-DNA position 3188, G replaced by T.
Protein change: p.Gly1063Val; replaces glycine 1063 with valine.
Molecular consequence: missense variant.
Genome position (GRCh38, 1-based): chr1:26,767,989, G>T. VCF-style: chr1-26767989-G-T. GRCh37 (hg19) VCF-style: chr1-27094480-G-T.
Other names: c.3188G>T, p.Gly1063Val (NM_139135.4); short protein forms G1063V.
Identifiers: ClinVar variation 4854086 (VCV004854086.1).

ClinVar aggregate classification (germline): Uncertain significance (1 of 4 stars; one submission).

Conditions:
Intellectual disability, autosomal dominant 14 (CSS2). Also called: COFFIN-SIRIS SYNDROME 2. Identifiers: Orphanet 1465, MedGen C3553247, MONDO:0013819, OMIM 614607.

Submission:

3billion
Classification: Uncertain significance for Intellectual disability, autosomal dominant 14. Last evaluated: 2025-12-07. Review status: criteria provided, single submitter. Criteria: ACMG Guidelines, 2015. Collection method: clinical testing. Allele origin: germline. Affected: yes.
Comment: The variant is not observed in the gnomAD v4.1.0 dataset. Predicted Consequence/Location: The variant is located in a mutational hot spot and/or well-established functional domain in which established pathogenic variants have been reported (PMID: 24185513, 34671561). In silico tool predictions suggest damaging effect of the variant on gene or gene product [REVEL: 0.92 (>=0.6, sensitivity 0.68 and specificity 0.92); 3Cnet: 1.00 (> 0.75, sensitivity 0.96 and precision 0.92)]. Therefore, this variant is classified as VUS according to the recommendation of ACMG/AMP guideline.